The following is an entry in ClinVar:

NM_013276.4(SHPK):c.145G>C (p.Glu49Gln)

Gene: SHPK (sedoheptulokinase; minus strand). Cytogenetic location: 17p13.2.
Variant type: single nucleotide variant.
Coding change: c.145G>C on transcript NM_013276.4 (MANE Select); coding-DNA position 145, G replaced by C.
Protein change: p.Glu49Gln; replaces glutamic acid 49 with glutamine.
Molecular consequence: missense variant.
Genome position (GRCh38, 1-based): chr17:3,636,075, C>G on the plus strand (G>C on the coding strand, the complement: SHPK is on the minus strand). VCF-style: chr17-3636075-C-G. GRCh37 (hg19) VCF-style: chr17-3539369-C-G.
Other names: c.145G>C (NM_013276.2); short protein forms E49Q.
Identifiers: ClinVar variation 2053265 (VCV002053265.5), dbSNP rs564309046, ClinGen allele CA8291446.

ClinVar aggregate classification (germline): Conflicting classifications of pathogenicity. Review status: criteria provided, conflicting classifications (1 of 4 stars). 2 submissions from 2 submitters: Uncertain significance (1); Likely benign (1). Last evaluated 2026-01-05.

Allele frequency attached by ClinVar (database versions not stated): TOPMed 0.00006; gnomAD 0.00009; 1000 Genomes Project 30x 0.00016; ExAC 0.00018; 1000 Genomes Project 0.00020.
gnomAD v4.1: 114 of 1,585,058 alleles (0.0072%); highest among the groups gnomAD compares: Admixed American, 0.009%; 1 homozygote.

Submissions (2):

Labcorp Genetics (formerly Invitae), Labcorp
Classification: Uncertain significance. Last evaluated: 2026-01-05. Review status: criteria provided, single submitter. Criteria: Invitae Variant Classification Sherloc (09022015). Collection method: clinical testing. Allele origin: germline.
Comment: This sequence change replaces glutamic acid, which is acidic and polar, with glutamine, which is neutral and polar, at codon 49 of the SHPK protein (p.Glu49Gln). This variant is present in population databases (rs564309046, gnomAD 0.09%), and has an allele count higher than expected for a pathogenic variant. This variant has not been reported in the literature in individuals affected with SHPK-related conditions. ClinVar contains an entry for this variant (Variation ID: 2053265). An algorithm developed to predict the effect of missense changes on protein structure and function outputs the following: PolyPhen-2: "Benign". The glutamine amino acid residue is found in multiple mammalian species, which suggests that this missense change does not adversely affect protein function. In summary, the available evidence is currently insufficient to determine the role of this variant in disease. Therefore, it has been classified as a Variant of Uncertain Significance.

Ambry Genetics
Classification: Likely benign. Last evaluated: 2024-12-06. Review status: criteria provided, single submitter. Criteria: Ambry Variant Classification Scheme 2023. Collection method: clinical testing. Allele origin: germline.